The following is an entry in ClinVar:

ClinVar aggregate classification (germline): Conflicting classifications of pathogenicity. Review status: criteria provided, conflicting classifications (1 of 4 stars). 3 submissions from 3 submitters: Uncertain significance (1); Likely benign (2). Last evaluated 2025-09-10.

Conditions:
Hereditary cancer-predisposing syndrome. Also called: Tumor predisposition; Neoplastic Syndromes, Hereditary; Hereditary Cancer Syndrome; Hereditary neoplastic syndrome. Identifiers: Orphanet 140162, MedGen C0027672, MeSH D009386, MONDO:0015356.
EGFR-related lung cancer (EGFR). Identifiers: MedGen CN130014.
Lung cancer. Also called: Malignant tumor of lung; Lung cancer, somatic. Identifiers: MedGen C0242379, MONDO:0008903, OMIM 211980.

Allele frequency attached by ClinVar (database versions not stated): gnomAD exomes below 0.00001 and 0.00001; ExAC 0.00001; gnomAD 0.00004; TOPMed 0.00005; ESP Exome Variant Server 0.00008.
gnomAD v4.1: 14 of 1,611,610 alleles (0.00087%); highest among the groups gnomAD compares: African/African-American, 0.016%; no homozygotes.

Submissions (3):

Labcorp Genetics (formerly Invitae), Labcorp
Classification: Likely benign for EGFR-related lung cancer. Last evaluated: 2025-09-10. Review status: criteria provided, single submitter. Criteria: Invitae Variant Classification Sherloc (09022015). Collection method: clinical testing. Allele origin: germline.

Ambry Genetics
Classification: Uncertain significance for Hereditary cancer-predisposing syndrome. Last evaluated: 2025-01-07. Review status: criteria provided, single submitter. Criteria: Ambry Variant Classification Scheme 2023. Collection method: clinical testing. Allele origin: germline.
Comment: The c.2185-5C>T intronic variant results from a C to T substitution 5 nucleotides upstream from coding exon 19 in the EGFR gene. This nucleotide position is not well conserved in available vertebrate species. In silico splice site analysis predicts that this alteration will not have any significant effect on splicing. Based on the available evidence, the clinical significance of this variant remains unclear.

Myriad Genetics, Inc.
Classification: Likely benign for Lung cancer. Last evaluated: 2024-10-16. Review status: criteria provided, single submitter. Criteria: Myriad Autosomal Dominant, Autosomal Recessive and X-Linked Classification Criteria (2023). Collection method: clinical testing. Allele origin: unknown.
Comment: This variant is considered likely benign. This variant is intronic and is not expected to impact mRNA splicing.

NM_005228.5(EGFR):c.2185-5C>T

Gene: EGFR (epidermal growth factor receptor; plus strand). Cytogenetic location: 7p11.2.
Variant type: single nucleotide variant.
Coding change: c.2185-5C>T on transcript NM_005228.5 (MANE Select); 5 bases into the intron before coding-DNA position 2185, C replaced by T.
Molecular consequence: intron variant.
Genome position (GRCh38, 1-based): chr7:55,174,717, C>T. VCF-style: chr7-55174717-C-T. GRCh37 (hg19) VCF-style: chr7-55242410-C-T.
Other names: c.2050-5C>T (NM_001346899.2, NM_001346897.2); c.1384-5C>T (NM_001346941.2); c.2185-5C>T (NM_001346898.2, NM_005228.3); c.2026-5C>T (NM_001346900.2).
Identifiers: ClinVar variation 1107111 (VCV001107111.11), dbSNP rs368545090, ClinGen allele CA4266008.